The following is an entry in ClinVar:

ClinVar aggregate classification (germline): Uncertain significance (1 of 4 stars; one submission).

Conditions:
SCN8A-related disorder.

Submission:

PreventionGenetics, part of Exact Sciences
Classification: Uncertain significance for SCN8A-related condition. Last evaluated: 2025-05-28. Review status: criteria provided, single submitter. Criteria: ACMG Guidelines, 2015. Collection method: clinical testing. Allele origin: germline.
Comment: The SCN8A c.5503C>T variant is predicted to result in the amino acid substitution p.Pro1835Ser. To our knowledge, this variant has not been reported in the literature or in a large population database (gnomAD), indicating this variant is rare. At this time, the clinical significance of this variant is uncertain due to the absence of conclusive functional and genetic evidence.

NM_001330260.2(SCN8A):c.5503C>T (p.Pro1835Ser)

Gene: SCN8A (sodium voltage-gated channel alpha subunit 8; plus strand). Cytogenetic location: 12q13.13.
Variant type: single nucleotide variant.
Coding change: c.5503C>T on transcript NM_001330260.2 (MANE Select); coding-DNA position 5503, C replaced by T.
Protein change: p.Pro1835Ser; replaces proline 1835 with serine.
Molecular consequence: missense variant.
Genome position (GRCh38, 1-based): chr12:51,806,989, C>T. VCF-style: chr12-51806989-C-T. GRCh37 (hg19) VCF-style: chr12-52200773-C-T.
Other names: c.5380C>T, p.Pro1794Ser (NM_001177984.3, NM_001369788.1); c.5503C>T, p.Pro1835Ser (NM_014191.4); short protein forms P1794S, P1835S.
Identifiers: ClinVar variation 5001118 (VCV005001118.1).